The following is an entry in ClinVar:

NM_001457.4(FLNB):c.1919C>T (p.Thr640Met)

Gene: FLNB (filamin B; plus strand). Cytogenetic location: 3p14.3.
Variant type: single nucleotide variant.
Coding change: c.1919C>T on transcript NM_001457.4 (MANE Select); coding-DNA position 1919, C replaced by T.
Protein change: p.Thr640Met; replaces threonine 640 with methionine.
Molecular consequence: missense variant.
Genome position (GRCh38, 1-based): chr3:58,106,851, C>T. VCF-style: chr3-58106851-C-T. GRCh37 (hg19) VCF-style: chr3-58092578-C-T.
Other names: c.1919C>T, p.Thr640Met (NM_001164317.2, NM_001164318.2, NM_001164319.2); short protein forms T640M.
Identifiers: ClinVar variation 346316 (VCV000346316.33), dbSNP rs62621999, ClinGen allele CA2467958.

ClinVar aggregate classification (germline): Benign/Likely benign. Review status: criteria provided, multiple submitters, no conflicts (2 of 4 stars). 9 submissions from 9 submitters: Benign (4); Likely benign (5). Last evaluated 2026-01-27.

Conditions:
Connective tissue disorder. Also called: Connective tissue disease. Identifiers: MedGen C0009782, MONDO:0003900.
Atelosteogenesis type III. Also called: Atelosteogenesis Type 3 (FLNB-AO3). Identifiers: Orphanet 56305, MedGen C3668942, MONDO:0007168, OMIM 108721.
Atelosteogenesis type I. Also called: GIANT CELL CHONDRODYSPLASIA; Atelosteogenesis Type 1 (FLNB-AO1); SPONDYLOHUMEROFEMORAL HYPOPLASIA. Identifiers: Orphanet 1190, MedGen C0265283, MONDO:0007167, OMIM 108720.
Spondylocarpotarsal synostosis syndrome (SCT). Also called: Spondylocarpotarsal Synostosis Syndrome (FLNB-SCT); Synspondylism congenital; Scoliosis, congenital with unilateral unsegmented bar; SPONDYLOCARPOTARSAL SYNDROME; VERTEBRAL FUSION WITH CARPAL COALITION. Identifiers: Orphanet 3275, MedGen C1848934, MONDO:0010094, OMIM 272460.
Boomerang dysplasia. Identifiers: Orphanet 1263, MedGen C0432201, MONDO:0007208, OMIM 112310.
Larsen syndrome (LRS). Also called: Bilateral dislocation of the knees, pes cavus, cylindrically shaped fingers and characteristic facies; Larsen syndrome (FLNB-LS). Identifiers: Orphanet 503, MedGen C0175778, MONDO:0007875, OMIM 150250. Disease mechanism: loss of function.
FLNB-Related Spectrum Disorders.

Allele frequency attached by ClinVar (database versions not stated): gnomAD exomes 0.00116 and 0.00261; ExAC 0.00290; gnomAD 0.00875 and 0.00943; 1000 Genomes Project 30x 0.00890; ESP Exome Variant Server 0.00915; 1000 Genomes Project 0.00938; TOPMed 0.01026.
gnomAD v4.1: 3,135 of 1,613,808 alleles (0.19%); highest among the groups gnomAD compares: African/African-American, 3.2%; 58 homozygotes.

Submissions (9):

Labcorp Genetics (formerly Invitae), Labcorp
Classification: Benign. Last evaluated: 2026-01-27. Review status: criteria provided, single submitter. Criteria: Invitae Variant Classification Sherloc (09022015). Collection method: clinical testing. Allele origin: germline.

Genomic Medicine Center of Excellence, King Faisal Specialist Hospital and Research Centre
Classification: Likely benign. Last evaluated: 2025-08-18. Review status: criteria provided, single submitter. Criteria: ACMG Guidelines, 2015. Collection method: clinical testing. Allele origin: germline.

ARUP Laboratories, Molecular Genetics and Genomics, ARUP Laboratories
Classification: Benign. Last evaluated: 2024-10-23. Review status: criteria provided, single submitter. Criteria: ARUP Molecular Germline Variant Investigation Process 2024. Collection method: clinical testing. Allele origin: germline.

Fulgent Genetics
Classification: Likely benign for Atelosteogenesis type I; Atelosteogenesis type III; Boomerang dysplasia; Larsen syndrome; Spondylocarpotarsal synostosis syndrome. Last evaluated: 2022-05-18. Review status: criteria provided, single submitter. Criteria: ACMG Guidelines, 2015. Collection method: clinical testing. Allele origin: unknown.

Genome Diagnostics Laboratory, The Hospital for Sick Children
Classification: Likely benign for Connective tissue disorder. Last evaluated: 2022-02-10. Review status: criteria provided, single submitter. Criteria: ACMG Guidelines, 2015. Collection method: clinical testing. Allele origin: germline.

Illumina Laboratory Services, Illumina
Classification: Benign for FLNB-Related Spectrum Disorders. Last evaluated: 2018-01-12. Review status: criteria provided, single submitter. Criteria: ICSL Variant Classification Criteria 13 December 2019. Collection method: clinical testing. Allele origin: germline.
Comment: This variant was observed in the ICSL laboratory as part of a predisposition screen in an ostensibly healthy population. It had not been previously curated by ICSL or reported in the Human Gene Mutation Database (HGMD: prior to June 1st, 2018), and was therefore a candidate for classification through an automated scoring system. Utilizing variant allele frequency, disease prevalence and penetrance estimates, and inheritance mode, an automated score was calculated to assess if this variant is too frequent to cause the disease. Based on the score and internal cut-off values, a variant classified as benign is not then subjected to further curation. The score for this variant resulted in a classification of benign for this disease.

Center for Pediatric Genomic Medicine, Children's Mercy Hospital and Clinics
Classification: Likely benign. Last evaluated: 2017-03-20. Review status: criteria provided, single submitter. Criteria: ACMG Guidelines, 2015. Collection method: clinical testing. Allele origin: germline.

GeneDx
Classification: Benign. Last evaluated: 2017-03-09. Review status: criteria provided, single submitter. Criteria: GeneDx Variant Classification (06012015). Collection method: clinical testing. Allele origin: germline. Affected: yes.
Comment: This variant is considered likely benign or benign based on one or more of the following criteria: it is a conservative change, it occurs at a poorly conserved position in the protein, it is predicted to be benign by multiple in silico algorithms, and/or has population frequency not consistent with disease.

Breakthrough Genomics
Classification: Likely benign. Review status: criteria provided, single submitter. Criteria: ACMG Guidelines, 2015. Collection method: not provided. Allele origin: germline. Inheritance: Autosomal recessive inheritance. Affected: yes.